The following is an entry in ClinVar:

ClinVar aggregate classification (germline): Benign/Likely benign. Review status: criteria provided, multiple submitters, no conflicts (2 of 4 stars). 10 submissions from 10 submitters: Benign (3); Likely benign (5). 2 of the submissions do not count toward it. Last evaluated 2026-01-29.

Conditions:
Tuberous sclerosis 1 (TSC1). Identifiers: Orphanet 805, MedGen C1854465, MONDO:0008612, OMIM 191100.
Lymphangiomyomatosis (LAM). Also called: Lymphangioleiomyomatosis; Lymphangioleiomyomatosis, somatic. Identifiers: Orphanet 538, MedGen C0751674, MONDO:0011705, OMIM 606690.
Isolated focal cortical dysplasia type II (FCORD2). Also called: CORTICAL DYSPLASIA OF TAYLOR; Focal cortical dysplasia type II. Identifiers: Orphanet 268994, MedGen C1846385, MONDO:0011818, OMIM 607341, HP:0032051.
TSC1-related disorder. Also called: TSC1-related condition.
Hereditary cancer-predisposing syndrome. Also called: Neoplastic Syndromes, Hereditary; Tumor predisposition; Hereditary Cancer Syndrome; Hereditary neoplastic syndrome. Identifiers: Orphanet 140162, MedGen C0027672, MeSH D009386, MONDO:0015356.
Tuberous sclerosis syndrome (TSC). Also called: Tuberous Sclerosis Complex; Tuberous sclerosis. Identifiers: Orphanet 805, MedGen C0041341, MONDO:0001734.

Allele frequency attached by ClinVar (database versions not stated): ExAC 0.00006; gnomAD exomes 0.00006 and 0.00029; gnomAD 0.00012; ESP Exome Variant Server 0.00023.
gnomAD v4.1: 364 of 1,367,368 alleles (0.027%); highest among the groups gnomAD compares: Non-Finnish European, 0.034%; no homozygotes.

Submissions (10):

Labcorp Genetics (formerly Invitae), Labcorp
Classification: Benign for Tuberous sclerosis 1. Last evaluated: 2026-01-29. Review status: criteria provided, single submitter. Criteria: Invitae Variant Classification Sherloc (09022015). Collection method: clinical testing. Allele origin: germline.

Quest Diagnostics Nichols Institute San Juan Capistrano
Classification: Likely benign. Last evaluated: 2025-09-13. Review status: criteria provided, single submitter. Criteria: Quest Diagnostics criteria. Collection method: clinical testing. Allele origin: unknown.

Myriad Genetics, Inc.
Classification: Likely benign for Tuberous sclerosis 1. Last evaluated: 2025-04-28. Review status: criteria provided, single submitter. Criteria: Myriad Autosomal Dominant, Autosomal Recessive and X-Linked Classification Criteria (2023). Collection method: clinical testing. Allele origin: unknown.
Comment: This variant is considered likely benign. This variant has been observed at a population frequency that is significantly greater than expected given the associated disease prevalence and penetrance.

Ambry Genetics
Classification: Likely benign for Hereditary cancer-predisposing syndrome. Last evaluated: 2023-05-30. Review status: criteria provided, single submitter. Criteria: Ambry Variant Classification Scheme 2023. Collection method: clinical testing. Allele origin: germline.

Color Diagnostics, LLC DBA Color Health
Classification: Benign for Tuberous sclerosis syndrome. Last evaluated: 2022-08-16. Review status: criteria provided, single submitter. Criteria: ACMG Guidelines, 2015. Collection method: clinical testing. Allele origin: germline.

Fulgent Genetics
Classification: Likely benign for Tuberous sclerosis 1; Lymphangiomyomatosis; Isolated focal cortical dysplasia type II. Last evaluated: 2022-03-24. Review status: criteria provided, single submitter. Criteria: ACMG Guidelines, 2015. Collection method: clinical testing. Allele origin: unknown.

Genome-Nilou Lab
Classification: Benign for Tuberous sclerosis 1. Last evaluated: 2021-11-07. Review status: criteria provided, single submitter. Criteria: ACMG Guidelines, 2015. Collection method: clinical testing. Allele origin: germline. Affected: no.

GeneDx
Classification: Likely benign. Last evaluated: 2020-12-09. Review status: criteria provided, single submitter. Criteria: GeneDx Variant Classification Process June 2021. Collection method: clinical testing. Allele origin: germline. Affected: yes.
Comment: This variant is associated with the following publications: (PMID: 22161988, 26494726)

PreventionGenetics, part of Exact Sciences
Classification: Likely benign for TSC1-related condition. Last evaluated: 2022-11-10. Review status: no assertion criteria provided. Collection method: clinical testing. Allele origin: germline. Not counted in ClinVar's aggregate classification.
Comment: This variant is classified as likely benign based on ACMG/AMP sequence variant interpretation guidelines (Richards et al. 2015 PMID: 25741868, with internal and published modifications).

Tuberous sclerosis database (TSC1)
No classification provided. Condition: TSC. Review status: no classification provided. Criteria: Tuberous Sclerosis Database Assertion Criteria 2015. Collection method: curation. Allele origin: germline. Affected: yes. Not counted in ClinVar's aggregate classification.

NM_000368.5(TSC1):c.2647G>A (p.Ala883Thr)

Gene: TSC1 (TSC complex subunit 1; minus strand). Cytogenetic location: 9q34.13.
Variant type: single nucleotide variant.
Coding change: c.2647G>A on transcript NM_000368.5 (MANE Select); coding-DNA position 2647, G replaced by A.
Protein change: p.Ala883Thr; replaces alanine 883 with threonine.
Molecular consequence: missense variant.
Genome position (GRCh38, 1-based): chr9:132,897,589, C>T on the plus strand (G>A on the coding strand, the complement: TSC1 is on the minus strand). VCF-style: chr9-132897589-C-T. GRCh37 (hg19) VCF-style: chr9-135772976-C-T.
Other names: c.2644G>A, p.Ala882Thr (NM_001162426.2); c.2494G>A, p.Ala832Thr (NM_001162427.2); c.2284G>A, p.Ala762Thr (NM_001362177.2); short protein forms A883T, A882T, A832T, A762T.
Identifiers: ClinVar variation 48985 (VCV000048985.24), dbSNP rs118203721, ClinGen allele CA006773.
Genomic context (GRCh38, chr9:132,897,589, plus strand): 5'-CAAGCCTCTGAGTCTGCTGGAGAACATGGCTTCTGTTTTTTTCTAGCTCTTTCCGATAGG[C>T]GGCTTTCATCATTTCTACTTCCTGAAAAAAAAAAAAAAAAAAGACTGGAATTAGTACTTA-3'
Protein context (NP_000359.1, residues 873-893): TTKEVEMMKA[Ala883Thr]YRKELEKNRS